The following is an entry in ClinVar:

ClinVar aggregate classification (germline): Uncertain significance. Review status: criteria provided, multiple submitters, no conflicts (2 of 4 stars). 4 submissions from 4 submitters: Uncertain significance (4). Last evaluated 2025-08-30.

Conditions:
Hereditary spastic paraplegia. Also called: Familial spastic paraparesis. Identifiers: Orphanet 685, MedGen C0037773, MONDO:0019064. Disease mechanism: loss of function.

Allele frequency attached by ClinVar (database versions not stated): gnomAD 0.00001; gnomAD exomes 0.00001; TOPMed 0.00001; ExAC 0.00003; ESP Exome Variant Server 0.00008.
gnomAD v4.1: 10 of 1,607,974 alleles (0.00062%); highest among the groups gnomAD compares: Middle Eastern, 0.017%; no homozygotes.

Submissions (4):

Ambry Genetics
Classification: Uncertain significance. Last evaluated: 2025-08-30. Review status: criteria provided, single submitter. Criteria: Ambry Variant Classification Scheme 2023. Collection method: clinical testing. Allele origin: germline.

Labcorp Genetics (formerly Invitae), Labcorp
Classification: Uncertain significance. Last evaluated: 2025-05-05. Review status: criteria provided, single submitter. Criteria: Invitae Variant Classification Sherloc (09022015). Collection method: clinical testing. Allele origin: germline.
Comment: This sequence change replaces arginine, which is basic and polar, with glutamine, which is neutral and polar, at codon 259 of the POLG2 protein (p.Arg259Gln). This variant is present in population databases (rs368309122, gnomAD 0.007%). This variant has not been reported in the literature in individuals affected with POLG2-related conditions. ClinVar contains an entry for this variant (Variation ID: 1343950). An algorithm developed to predict the effect of missense changes on protein structure and function (PolyPhen-2) suggests that this variant is likely to be disruptive. In summary, the available evidence is currently insufficient to determine the role of this variant in disease. Therefore, it has been classified as a Variant of Uncertain Significance.

Blueprint Genetics
Classification: Uncertain significance. Last evaluated: 2020-11-17. Review status: criteria provided, single submitter. Criteria: ACMG Guidelines, 2015. Collection method: clinical testing. Allele origin: germline.

Genome Diagnostics Laboratory, The Hospital for Sick Children
Classification: Uncertain significance for Hereditary spastic paraplegia. Last evaluated: 2016-12-12. Review status: criteria provided, single submitter. Criteria: ACMG Guidelines, 2015. Collection method: clinical testing. Allele origin: germline. Affected: yes.

NM_007215.4(POLG2):c.776G>A (p.Arg259Gln)

Genes: MILR1 (mast cell immunoglobulin like receptor 1; plus strand), POLG2 (DNA polymerase gamma 2, accessory subunit; minus strand). Cytogenetic location: 17q23.3.
Variant type: single nucleotide variant.
Coding change: c.776G>A on transcript NM_007215.4 (MANE Select); coding-DNA position 776, G replaced by A.
Protein change: p.Arg259Gln; replaces arginine 259 with glutamine.
Molecular consequence: missense variant.
Genome position (GRCh38, 1-based): chr17:64,492,686, C>T on the plus strand (G>A on the coding strand, the complement: POLG2 is on the minus strand). VCF-style: chr17-64492686-C-T. GRCh37 (hg19) VCF-style: chr17-62488803-C-T.
Other names: short protein forms R259Q.
Identifiers: ClinVar variation 1343950 (VCV001343950.8), dbSNP rs368309122, ClinGen allele CA8712923.